The following is an entry in ClinVar:

NM_052945.4(TNFRSF13C):c.538G>C (p.Gly180Arg)

Gene: TNFRSF13C (TNF receptor superfamily member 13C; minus strand). Cytogenetic location: 22q13.2.
Variant type: single nucleotide variant.
Coding change: c.538G>C on transcript NM_052945.4 (MANE Select); coding-DNA position 538, G replaced by C.
Protein change: p.Gly180Arg; replaces glycine 180 with arginine.
Molecular consequence: missense variant.
Genome position (GRCh38, 1-based): chr22:41,925,384, C>G on the plus strand (G>C on the coding strand, the complement: TNFRSF13C is on the minus strand). VCF-style: chr22-41925384-C-G. GRCh37 (hg19) VCF-style: chr22-42321388-C-G.
Other names: short protein forms G180R.
Identifiers: ClinVar variation 3015715 (VCV003015715.3), dbSNP rs772090919, ClinGen allele CA10262415.

ClinVar aggregate classification (germline): Uncertain significance (1 of 4 stars; one submission).

Conditions:
Immunodeficiency, common variable, 4. Also called: ANTIBODY DEFICIENCY DUE TO BAFFR DEFECT. Identifiers: Orphanet 1572, Orphanet 696925, MedGen C3150739, MONDO:0013284, OMIM 613494.

gnomAD v4.1: 7 of 1,606,012 alleles (0.00044%); highest among the groups gnomAD compares: Admixed American, 0.0017%; no homozygotes.

Submission:

Labcorp Genetics (formerly Invitae), Labcorp
Classification: Uncertain significance for Immunodeficiency, common variable, 4. Last evaluated: 2023-05-22. Review status: criteria provided, single submitter. Criteria: Invitae Variant Classification Sherloc (09022015). Collection method: clinical testing. Allele origin: germline.
Comment: This sequence change replaces glycine, which is neutral and non-polar, with arginine, which is basic and polar, at codon 180 of the TNFRSF13C protein (p.Gly180Arg). This variant has not been reported in the literature in individuals affected with TNFRSF13C-related conditions. This variant is present in population databases (rs772090919, gnomAD 0.003%). In summary, the available evidence is currently insufficient to determine the role of this variant in disease. Therefore, it has been classified as a Variant of Uncertain Significance. An algorithm developed to predict the effect of missense changes on protein structure and function (PolyPhen-2) suggests that this variant is likely to be disruptive.